The following is an entry in ClinVar:

NM_001458.5(FLNC):c.2458G>A (p.Asp820Asn)

Gene: FLNC (filamin C; plus strand). Cytogenetic location: 7q32.1.
Variant type: single nucleotide variant.
Coding change: c.2458G>A on transcript NM_001458.5 (MANE Select); coding-DNA position 2458, G replaced by A.
Protein change: p.Asp820Asn; replaces aspartic acid 820 with asparagine.
Molecular consequence: missense variant.
Genome position (GRCh38, 1-based): chr7:128,842,862, G>A. VCF-style: chr7-128842862-G-A. GRCh37 (hg19) VCF-style: chr7-128482916-G-A.
Other names: c.2458G>A, p.Asp820Asn (NM_001127487.2); short protein forms D820N.
Identifiers: ClinVar variation 939234 (VCV000939234.10), dbSNP rs965901086, ClinGen allele CA166175565.

ClinVar aggregate classification (germline): Conflicting classifications of pathogenicity. Review status: criteria provided, conflicting classifications (1 of 4 stars). 2 submissions from 2 submitters: Uncertain significance (1); Likely benign (1). Last evaluated 2024-06-09.

Conditions:
Myofibrillar myopathy 5. Also called: FILAMINOPATHY, AUTOSOMAL DOMINANT; Filaminopathy (type). Identifiers: Orphanet 171445, MedGen C1836050, MONDO:0012289, OMIM 609524.
Distal myopathy with posterior leg and anterior hand involvement. Also called: WILLIAMS DISTAL MYOPATHY. Identifiers: Orphanet 63273, MedGen C3279722, MONDO:0013550, OMIM 614065.
Hypertrophic cardiomyopathy 26. Also called: Cardiomyopathy, familial hypertrophic, 26. Identifiers: Orphanet 75249, MedGen C4310749, MONDO:0014883, OMIM 617047.
Cardiovascular phenotype. Identifiers: MedGen CN230736.

Allele frequency attached by ClinVar (database versions not stated): gnomAD exomes below 0.00001; gnomAD 0.00002; TOPMed 0.00002.
gnomAD v4.1: 7 of 1,613,894 alleles (0.00043%); highest among the groups gnomAD compares: African/African-American, 0.0053%; no homozygotes.

Submissions (2):

Labcorp Genetics (formerly Invitae), Labcorp
Classification: Likely benign for Distal myopathy with posterior leg and anterior hand involvement; Myofibrillar myopathy 5; Hypertrophic cardiomyopathy 26. Last evaluated: 2024-06-09. Review status: criteria provided, single submitter. Criteria: Invitae Variant Classification Sherloc (09022015). Collection method: clinical testing. Allele origin: germline.

Ambry Genetics
Classification: Uncertain significance for Cardiovascular phenotype. Last evaluated: 2019-07-31. Review status: criteria provided, single submitter. Criteria: Ambry Variant Classification Scheme 2023. Collection method: clinical testing. Allele origin: germline.
Comment: The p.D820N variant (also known as c.2458G>A), located in coding exon 16 of the FLNC gene, results from a G to A substitution at nucleotide position 2458. The aspartic acid at codon 820 is replaced by asparagine, an amino acid with highly similar properties. This amino acid position is highly conserved in available vertebrate species; however, asparagine is the reference amino acid in other vertebrate species. In addition, this alteration is predicted to be tolerated by in silico analysis. Since supporting evidence is limited at this time, the clinical significance of this alteration remains unclear.